The following is an entry in ClinVar:

NM_002734.5(PRKAR1A):c.995_1000delinsTGA (p.Asn332_Pro334delinsMetThr)

Gene: PRKAR1A (protein kinase cAMP-dependent type I regulatory subunit alpha; plus strand). Cytogenetic location: 17q24.2.
Variant type: Indel.
Coding change: c.995_1000delinsTGA on transcript NM_002734.5 (MANE Select); coding-DNA positions 995 to 1000, ATCGTC replaced by TGA.
Protein change: p.Asn332_Pro334delinsMetThr.
Molecular consequence: inframe indel. On other transcripts: intron variant (1).
Genome position (GRCh38, 1-based): chr17:68,530,298-68,530,303, ATCGTC replaced by TGA. VCF-style: chr17-68530298-ATCGTC-TGA. GRCh37 (hg19) VCF-style: chr17-66526439-ATCGTC-TGA.
Other names: c.995_1000delinsTGA, p.Asn332_Pro334delinsMetThr (NM_001276289.2, NM_001278433.2, NM_001369389.1 and 3 more transcripts); c.973+297_973+302delinsTGA (NM_001276290.1).
Identifiers: ClinVar variation 1768710 (VCV001768710.2), dbSNP rs2509446400, ClinGen allele CA2580095089.

ClinVar aggregate classification (germline): Uncertain significance (1 of 4 stars; one submission).

Conditions:
Hereditary cancer-predisposing syndrome. Also called: Hereditary Cancer Syndrome; Hereditary neoplastic syndrome; Neoplastic Syndromes, Hereditary; Tumor predisposition. Identifiers: Orphanet 140162, MedGen C0027672, MeSH D009386, MONDO:0015356.

Submission:

Ambry Genetics
Classification: Uncertain significance for Hereditary cancer-predisposing syndrome. Last evaluated: 2019-09-04. Review status: criteria provided, single submitter. Criteria: Ambry Variant Classification Scheme 2023. Collection method: clinical testing. Allele origin: germline.
Comment: The c.995_1000delATCGTCinsTGA variant, located in coding exon 10 of the PRKAR1A gene, results from an in-frame deletion of ATCGTC and insertion of TGA at nucleotide positions 995 to 1000. This results in the deletion of two amino acid residues and the insertion of methionine and threonine residues at codon 332. This amino acid region is highly conserved in available vertebrate species. In addition, this alteration is predicted to be deleterious by in silico analysis (Choi Y et al. PLoS ONE. 2012; 7(10):e46688). Since supporting evidence is limited at this time, the clinical significance of this alteration remains unclear.